The following is an entry in ClinVar:

NM_201384.3(PLEC):c.8144C>T (p.Ala2715Val)

Gene: PLEC (plectin; minus strand). Cytogenetic location: 8q24.3.
Variant type: single nucleotide variant.
Coding change: c.8144C>T on transcript NM_201384.3 (MANE Select); coding-DNA position 8144, C replaced by T.
Protein change: p.Ala2715Val; replaces alanine 2715 with valine.
Molecular consequence: missense variant.
Genome position (GRCh38, 1-based): chr8:143,921,677, G>A on the plus strand (C>T on the coding strand, the complement: PLEC is on the minus strand). VCF-style: chr8-143921677-G-A. GRCh37 (hg19) VCF-style: chr8-144995845-G-A.
Other names: c.8225C>T, p.Ala2742Val (NM_000445.5); c.4844C>T, p.Ala1615Val (NM_001410941.1); c.8102C>T, p.Ala2701Val (NM_201378.4); c.8078C>T, p.Ala2693Val (NM_201379.3); c.8555C>T, p.Ala2852Val (NM_201380.4); c.8048C>T, p.Ala2683Val (NM_201381.3); c.8144C>T, p.Ala2715Val (NM_201382.4); c.8156C>T, p.Ala2719Val (NM_201383.3); short protein forms A2683V, A2693V, A2852V, A2715V, A2719V, A2742V, A1615V, A2701V.
Identifiers: ClinVar variation 2937524 (VCV002937524.3), dbSNP rs2537497917, ClinGen allele CA372519016.

ClinVar aggregate classification (germline): Uncertain significance (1 of 4 stars; one submission).

Conditions:
Epidermolysis bullosa simplex with nail dystrophy (EBS5D). Identifiers: MedGen C4225309, MONDO:0014661, OMIM 616487.
Epidermolysis bullosa simplex 5C, with pyloric atresia (EBS5C). Also called: PLEC-Related Epidermolysis Bullosa with Pyloric Atresia; Epidermolysis bullosa simplex with pyloric atresia; PLEC1-Related Epidermolysis Bullosa with Pyloric Atresia. Identifiers: Orphanet 158684, MedGen C2677349, MONDO:0012807, OMIM 612138.
Autosomal recessive limb-girdle muscular dystrophy type 2Q (LGMDR17). Also called: MUSCULAR DYSTROPHY, LIMB-GIRDLE, AUTOSOMAL RECESSIVE 17. Identifiers: Orphanet 254361, MedGen C3150989, MONDO:0013390, OMIM 613723.
Epidermolysis bullosa simplex, Ogna type (EBS5A). Also called: Pidermolysis bullosa simplex 5A, Ogna type; EPIDERMOLYSIS BULLOSA SIMPLEX 5A, OGNA TYPE. Identifiers: Orphanet 79401, MedGen C0432317, MONDO:0007555, OMIM 131950.
Epidermolysis bullosa simplex 5B, with muscular dystrophy (EBS5B). Also called: EPIDERMOLYSIS BULLOSA SIMPLEX AND LIMB-GIRDLE MUSCULAR DYSTROPHY; Epidermolysis bullosa simplex with muscular dystrophy. Identifiers: Orphanet 257, MedGen C2931072, MONDO:0009181, OMIM 226670.

Allele frequency attached by ClinVar (database versions not stated): gnomAD exomes 0.00001.
gnomAD v4.1: 4 of 1,613,190 alleles (0.00025%); highest among the groups gnomAD compares: Non-Finnish European, 0.00025%; no homozygotes.

Submission:

Labcorp Genetics (formerly Invitae), Labcorp
Classification: Uncertain significance for Autosomal recessive limb-girdle muscular dystrophy type 2Q; Epidermolysis bullosa simplex, Ogna type; Epidermolysis bullosa simplex with nail dystrophy; Epidermolysis bullosa simplex 5C, with pyloric atresia; Epidermolysis bullosa simplex 5B, with muscular dystrophy. Last evaluated: 2025-10-18. Review status: criteria provided, single submitter. Criteria: Invitae Variant Classification Sherloc (09022015). Collection method: clinical testing. Allele origin: germline.
Comment: This sequence change replaces alanine, which is neutral and non-polar, with valine, which is neutral and non-polar, at codon 2742 of the PLEC protein (p.Ala2742Val). This variant is not present in population databases (gnomAD no frequency). This variant has not been reported in the literature in individuals affected with PLEC-related conditions. ClinVar contains an entry for this variant (Variation ID: 2937524). Invitae Evidence Modeling of protein sequence and biophysical properties (such as structural, functional, and spatial information, amino acid conservation, physicochemical variation, residue mobility, and thermodynamic stability) has been performed for this missense variant. However, the output from this modeling did not meet the statistical confidence thresholds required to predict the impact of this variant on PLEC protein function. In summary, the available evidence is currently insufficient to determine the role of this variant in disease. Therefore, it has been classified as a Variant of Uncertain Significance.